The following is an entry in ClinVar:

ClinVar aggregate classification (germline): Uncertain significance. Review status: criteria provided, multiple submitters, no conflicts (2 of 4 stars). 2 submissions from 2 submitters: Uncertain significance (2). Last evaluated 2026-04-20.

Conditions:
Hereditary cancer-predisposing syndrome. Also called: Neoplastic Syndromes, Hereditary; Tumor predisposition; Hereditary Cancer Syndrome; Hereditary neoplastic syndrome. Identifiers: Orphanet 140162, MedGen C0027672, MeSH D009386, MONDO:0015356.
POLD1-related polyposis and colorectal cancer syndrome (CRCS10). Also called: Colorectal cancer 10; COLORECTAL CANCER, SUSCEPTIBILITY TO, ON CHROMOSOME 19q; Colorectal cancer, susceptibility to, 10. Identifiers: Orphanet 220460, MedGen C2675481, MONDO:0012953, OMIM 612591.

Submissions (2):

Ambry Genetics
Classification: Uncertain significance for Hereditary cancer-predisposing syndrome. Last evaluated: 2026-04-20. Review status: criteria provided, single submitter. Criteria: Ambry Variant Classification Scheme 2023. Collection method: clinical testing. Allele origin: germline.
Comment: The p.A171T variant (also known as c.511G>A), located in coding exon 4 of the POLD1 gene, results from a G to A substitution at nucleotide position 511. The alanine at codon 171 is replaced by threonine, an amino acid with similar properties. This amino acid position is conserved. In addition, this alteration is predicted to be tolerated by in silico analysis. Based on the available evidence, the clinical significance of this variant remains unclear.

Labcorp Genetics (formerly Invitae), Labcorp
Classification: Uncertain significance for POLD1-related polyposis and colorectal cancer syndrome. Last evaluated: 2025-08-26. Review status: criteria provided, single submitter. Criteria: Invitae Variant Classification Sherloc (09022015). Collection method: clinical testing. Allele origin: germline.
Comment: This sequence change replaces alanine, which is neutral and non-polar, with threonine, which is neutral and polar, at codon 171 of the POLD1 protein (p.Ala171Thr). This variant is present in population databases (no rsID available, gnomAD 0.01%). This variant has not been reported in the literature in individuals affected with POLD1-related conditions. ClinVar contains an entry for this variant (Variation ID: 3716455). Invitae Evidence Modeling of protein sequence and biophysical properties (such as structural, functional, and spatial information, amino acid conservation, physicochemical variation, residue mobility, and thermodynamic stability) indicates that this missense variant is not expected to disrupt POLD1 protein function with a negative predictive value of 80%. In summary, the available evidence is currently insufficient to determine the role of this variant in disease. Therefore, it has been classified as a Variant of Uncertain Significance.

NM_002691.4(POLD1):c.511G>A (p.Ala171Thr)

Gene: POLD1 (DNA polymerase delta 1, catalytic subunit; plus strand). Cytogenetic location: 19q13.33.
Variant type: single nucleotide variant.
Coding change: c.511G>A on transcript NM_002691.4 (MANE Select); coding-DNA position 511, G replaced by A.
Protein change: p.Ala171Thr; replaces alanine 171 with threonine.
Molecular consequence: missense variant. On other transcripts: non-coding transcript variant (1).
Genome position (GRCh38, 1-based): chr19:50,402,046, G>A. VCF-style: chr19-50402046-G-A. GRCh37 (hg19) VCF-style: chr19-50905303-G-A.
Other names: c.511G>A, p.Ala171Thr (NM_001256849.1, NM_001308632.1); c.511G>A (NM_002691.2); short protein forms A171T.
Identifiers: ClinVar variation 3716455 (VCV003716455.3).